The following is an entry in ClinVar:

NM_006767.4(LZTR1):c.1745T>G (p.Val582Gly)

Gene: LZTR1 (leucine zipper like post translational regulator 1; plus strand). Cytogenetic location: 22q11.21.
Variant type: single nucleotide variant.
Coding change: c.1745T>G on transcript NM_006767.4 (MANE Select); coding-DNA position 1745, T replaced by G.
Protein change: p.Val582Gly; replaces valine 582 with glycine.
Molecular consequence: missense variant.
Genome position (GRCh38, 1-based): chr22:20,994,687, T>G. VCF-style: chr22-20994687-T-G. GRCh37 (hg19) VCF-style: chr22-21348976-T-G.
Other names: short protein forms V582G.
Identifiers: ClinVar variation 3869276 (VCV003869276.1).

ClinVar aggregate classification (germline): Uncertain significance (1 of 4 stars; one submission).

Conditions:
Hereditary cancer-predisposing syndrome. Also called: Hereditary neoplastic syndrome; Neoplastic Syndromes, Hereditary; Tumor predisposition; Hereditary Cancer Syndrome. Identifiers: Orphanet 140162, MedGen C0027672, MeSH D009386, MONDO:0015356.
Cardiovascular phenotype. Identifiers: MedGen CN230736.

Submission:

Ambry Genetics
Classification: Uncertain significance for Cardiovascular phenotype; Hereditary cancer-predisposing syndrome. Last evaluated: 2024-12-21. Review status: criteria provided, single submitter. Criteria: Ambry Variant Classification Scheme 2023. Collection method: clinical testing. Allele origin: germline.
Comment: The p.V582G variant (also known as c.1745T>G), located in coding exon 15 of the LZTR1 gene, results from a T to G substitution at nucleotide position 1745. The valine at codon 582 is replaced by glycine, an amino acid with dissimilar properties. This amino acid position is conserved. In addition, this alteration is predicted to be deleterious by in silico analysis. Based on the available evidence, the clinical significance of this variant remains unclear.